The following is an entry in ClinVar:

ClinVar aggregate classification (germline): Uncertain significance. Review status: criteria provided, multiple submitters, no conflicts (2 of 4 stars). 2 submissions from 2 submitters: Uncertain significance (2). Last evaluated 2026-07-30.

Conditions:
Inborn genetic diseases. Identifiers: MedGen C0950123, MeSH D030342.
SPTB-related disorder. Also called: SPTB-Related Disorders; SPTB-related condition.

Allele frequency attached by ClinVar (database versions not stated): TOPMed 0.00007; ESP Exome Variant Server 0.00008; gnomAD 0.00010; ExAC 0.00011.
gnomAD v4.1: 125 of 1,612,968 alleles (0.0077%); highest among the groups gnomAD compares: African/African-American, 0.012%; no homozygotes.

Submissions (2):

PreventionGenetics, part of Exact Sciences
Classification: Uncertain significance for SPTB-related condition. Last evaluated: 2026-07-30. Review status: criteria provided, single submitter. Criteria: ACMG Guidelines, 2015. Collection method: clinical testing. Allele origin: germline.
Comment: The SPTB c.6757A>C variant is predicted to result in the amino acid substitution p.Lys2253Gln. To our knowledge, this variant has not been reported in the literature. This variant is reported in 0.016% of alleles in individuals of African descent in gnomAD. At this time, the clinical significance of this variant is uncertain due to the absence of conclusive functional and genetic evidence.

Ambry Genetics
Classification: Uncertain significance for Inborn genetic diseases. Last evaluated: 2023-04-07. Review status: criteria provided, single submitter. Criteria: Ambry Variant Classification Scheme 2023. Collection method: clinical testing. Allele origin: germline.

NM_001355436.2(SPTB):c.6757A>C (p.Lys2253Gln)

Genes: PLEKHG3 (pleckstrin homology and RhoGEF domain containing G3; plus strand), SPTB (spectrin beta, erythrocytic; minus strand). Cytogenetic location: 14q23.3.
Variant type: single nucleotide variant.
Coding change: c.6757A>C on transcript NM_001355436.2 (MANE Select); coding-DNA position 6757, A replaced by C.
Protein change: p.Lys2253Gln; replaces lysine 2253 with glutamine.
Molecular consequence: missense variant. On other transcripts: 3 prime UTR variant (1).
Genome position (GRCh38, 1-based): chr14:64,750,000, T>G on the plus strand (A>C on the coding strand, the complement: SPTB is on the minus strand). VCF-style: chr14-64750000-T-G. GRCh37 (hg19) VCF-style: chr14-65216718-T-G.
Other names: c.*6297T>G (NM_001308147.2); c.6757A>C, p.Lys2253Gln (NM_001024858.4); short protein forms K2253Q.
Identifiers: ClinVar variation 2507704 (VCV002507704.3), dbSNP rs201289041, ClinGen allele CA7229420.